The following is an entry in ClinVar:

ClinVar aggregate classification (germline): Uncertain significance. Review status: criteria provided, multiple submitters, no conflicts (2 of 4 stars). 2 submissions from 2 submitters: Uncertain significance (2). Last evaluated 2024-09-23.

Conditions:
Familial hemiplegic migraine. Identifiers: MedGen C0338484, MONDO:0000700.

Allele frequency attached by ClinVar (database versions not stated): gnomAD 0.00001.

Submissions (2):

GeneDx
Classification: Uncertain significance. Last evaluated: 2024-09-23. Review status: criteria provided, single submitter. Criteria: GeneDx Variant Classification Process June 2021. Collection method: clinical testing. Allele origin: germline. Affected: yes.
Comment: Not observed at significant frequency in large population cohorts (gnomAD); In silico analysis indicates that this missense variant does not alter protein structure/function; Has not been previously published as pathogenic or benign to our knowledge

Labcorp Genetics (formerly Invitae), Labcorp
Classification: Uncertain significance for Familial hemiplegic migraine. Last evaluated: 2022-08-15. Review status: criteria provided, single submitter. Criteria: Invitae Variant Classification Sherloc (09022015). Collection method: clinical testing. Allele origin: germline.
Comment: This sequence change replaces arginine, which is basic and polar, with cysteine, which is neutral and slightly polar, at codon 3 of the ATP1A2 protein (p.Arg3Cys). The frequency data for this variant in the population databases is considered unreliable, as metrics indicate poor data quality at this position in the gnomAD database. This variant has not been reported in the literature in individuals affected with ATP1A2-related conditions. ClinVar contains an entry for this variant (Variation ID: 1508728). Advanced modeling of protein sequence and biophysical properties (such as structural, functional, and spatial information, amino acid conservation, physicochemical variation, residue mobility, and thermodynamic stability) performed at Invitae indicates that this missense variant is not expected to disrupt ATP1A2 protein function. In summary, the available evidence is currently insufficient to determine the role of this variant in disease. Therefore, it has been classified as a Variant of Uncertain Significance.

NM_000702.4(ATP1A2):c.7C>T (p.Arg3Cys)

Gene: ATP1A2 (ATPase Na+/K+ transporting subunit alpha 2; plus strand). Cytogenetic location: 1q23.2.
Variant type: single nucleotide variant.
Coding change: c.7C>T on transcript NM_000702.4 (MANE Select); coding-DNA position 7, C replaced by T.
Protein change: p.Arg3Cys; replaces arginine 3 with cysteine.
Molecular consequence: missense variant.
Genome position (GRCh38, 1-based): chr1:160,115,868, C>T. VCF-style: chr1-160115868-C-T. GRCh37 (hg19) VCF-style: chr1-160085658-C-T.
Other names: c.7C>T (NM_000702.3); short protein forms R3C.
Identifiers: ClinVar variation 1508728 (VCV001508728.9), dbSNP rs755450946, ClinGen allele CA343224913.